The following is an entry in ClinVar:

NM_000535.7(PMS2):c.860_864del (p.Arg287fs)

Gene: PMS2 (PMS1 homolog 2, mismatch repair system component; minus strand). Cytogenetic location: 7p22.1.
Variant type: Deletion.
Coding change: c.860_864del on transcript NM_000535.7 (MANE Select); coding-DNA positions 860 to 864, 5 bases deleted (GACAG; older notation c.860_864delGACAG).
Protein change: p.Arg287fs; shifts the reading frame from arginine 287.
Molecular consequence: frameshift variant. On other transcripts: 5 prime UTR variant (2), non-coding transcript variant (1), intron variant (4).
Genome position (GRCh38, 1-based): chr7:5,995,573-5,995,577, CTGTC deleted on the plus strand (GACAG on the coding strand, the reverse complement: PMS2 is on the minus strand). VCF-style (leftmost placement, unchanged base first): chr7-5995572-ACTGTC-A. GRCh37 (hg19) VCF-style: chr7-6035203-ACTGTC-A.
Other names: c.692_696del, p.Arg231fs (NM_001406874.1, NM_001406884.1); c.551_555del, p.Arg184fs (NM_001406875.1, NM_001406877.1, NM_001406878.1 and 6 more transcripts); c.542_546del, p.Arg181fs (NM_001406876.1, NM_001406883.1, NM_001322007.2 and 4 more transcripts); c.455_459del, p.Arg152fs (NM_001322003.2, NM_001322004.2, NM_001322005.2 and 19 more transcripts); c.860_864del, p.Arg287fs (NM_001322006.2, NM_001322014.2, NM_001406870.1 and 2 more transcripts); c.-74_-70del (NM_001322011.2, NM_001322012.2); c.287_291del, p.Arg96fs (NM_001322013.2, NM_001406909.1); c.1046_1050del, p.Arg349fs (NM_001406866.1); and 8 more; short protein forms R116fs, R152fs, R175fs, R181fs, R184fs, R231fs, R251fs, R287fs.
Identifiers: ClinVar variation 4862130 (VCV004862130.1).

ClinVar aggregate classification (germline): Pathogenic (1 of 4 stars; one submission).

Conditions:
Hereditary cancer-predisposing syndrome. Also called: Neoplastic Syndromes, Hereditary; Tumor predisposition; Hereditary Cancer Syndrome; Hereditary neoplastic syndrome. Identifiers: Orphanet 140162, MedGen C0027672, MeSH D009386, MONDO:0015356.

Submission:

Ambry Genetics
Classification: Pathogenic for Hereditary cancer-predisposing syndrome. Last evaluated: 2026-05-29. Review status: criteria provided, single submitter. Criteria: Ambry Variant Classification Scheme 2023. Collection method: clinical testing. Allele origin: germline.
Comment: The c.860_864delGACAG pathogenic mutation, located in coding exon 8 of the PMS2 gene, results from a deletion of 5 nucleotides at nucleotide positions 860 to 864, causing a translational frameshift with a predicted alternate stop codon (p.R287Ifs*10). This variant is considered to be rare based on population cohorts in the Genome Aggregation Database (gnomAD). This alteration is expected to result in loss of function by premature protein truncation or nonsense-mediated mRNA decay. As such, this alteration is interpreted as a disease-causing mutation.